The following is an entry in ClinVar:

ClinVar aggregate classification (germline): Benign (0 of 4 stars; one submission).

Conditions:
PLPP6-related disorder. Also called: PLPP6-related condition.

Allele frequency attached by ClinVar (database versions not stated): gnomAD exomes 0.00081; ExAC 0.00335; ESP Exome Variant Server 0.00625; 1000 Genomes Project 0.00819; 1000 Genomes Project 30x 0.00968; gnomAD 0.00996; TOPMed 0.01088.
gnomAD v4.1: 2,675 of 1,534,768 alleles (0.17%); highest among the groups gnomAD compares: African/African-American, 3.3%; 29 homozygotes.

Submission:

PreventionGenetics, part of Exact Sciences
Classification: Benign for PLPP6-related condition. Last evaluated: 2019-03-06. Review status: no assertion criteria provided. Collection method: clinical testing. Allele origin: germline.
Comment: This variant is classified as benign based on ACMG/AMP sequence variant interpretation guidelines (Richards et al. 2015 PMID: 25741868, with internal and published modifications).

NM_203453.5(PLPP6):c.23T>C (p.Met8Thr)

Genes: PLPP6 (phospholipid phosphatase 6; plus strand), SPATA6L (spermatogenesis associated 6 like; minus strand). Cytogenetic location: 9p24.1.
Variant type: single nucleotide variant.
Coding change: c.23T>C on transcript NM_203453.5 (MANE Select); coding-DNA position 23, T replaced by C.
Protein change: p.Met8Thr; replaces methionine 8 with threonine.
Molecular consequence: missense variant. On other transcripts: intron variant (6).
Genome position (GRCh38, 1-based): chr9:4,662,398, T>C. VCF-style: chr9-4662398-T-C. GRCh37 (hg19) VCF-style: chr9-4662398-T-C.
Other names: c.40-362A>G (NM_001039395.4, NM_001353484.2, NM_001353486.2 and 2 more transcripts); c.-606-362A>G (NM_001353491.2); short protein forms M8T.
Identifiers: ClinVar variation 3044796 (VCV003044796.2), dbSNP rs35791393, ClinGen allele CA4970003.